The following is an entry in ClinVar:

ClinVar aggregate classification (germline): Benign (1 of 4 stars; one submission).

Conditions:
Xeroderma pigmentosum variant type. Also called: POLH-Related Xeroderma Pigmentosum; PHOTOSENSITIVITY WITH DEFECTIVE DNA SYNTHESIS; XERODERMA PIGMENTOSUM WITH NORMAL DNA REPAIR RATES. Identifiers: Orphanet 90342, MedGen C1848410, MONDO:0010214, OMIM 278750.

Allele frequency attached by ClinVar (database versions not stated): gnomAD 0.05869 and 0.06978; TOPMed 0.07185; 1000 Genomes Project 30x 0.17067; 1000 Genomes Project 0.18251.
gnomAD v4.1: 10,587 of 151,946 alleles (7%); highest among the groups gnomAD compares: East Asian, 53%; 1,164 homozygotes.

Submission:

Illumina Laboratory Services, Illumina
Classification: Benign for Xeroderma pigmentosum variant type. Last evaluated: 2018-01-13. Review status: criteria provided, single submitter. Criteria: ICSL Variant Classification Criteria 13 December 2019. Collection method: clinical testing. Allele origin: germline.
Comment: This variant was observed in the ICSL laboratory as part of a predisposition screen in an ostensibly healthy population. It had not been previously curated by ICSL or reported in the Human Gene Mutation Database (HGMD: prior to June 1st, 2018), and was therefore a candidate for classification through an automated scoring system. Utilizing variant allele frequency, disease prevalence and penetrance estimates, and inheritance mode, an automated score was calculated to assess if this variant is too frequent to cause the disease. Based on the score and internal cut-off values, a variant classified as benign is not then subjected to further curation. The score for this variant resulted in a classification of benign for this disease.

NM_006502.3(POLH):c.*3847G>A

Gene: POLH (DNA polymerase eta; plus strand). Cytogenetic location: 6p21.1.
Variant type: single nucleotide variant.
Coding change: c.*3847G>A on transcript NM_006502.3 (MANE Select); 3847 bases downstream of the stop codon, G replaced by A.
Molecular consequence: 3 prime UTR variant.
Genome position (GRCh38, 1-based): chr6:43,618,404, G>A. VCF-style: chr6-43618404-G-A. GRCh37 (hg19) VCF-style: chr6-43586141-G-A.
Other names: c.*4673G>A (NM_001291970.2); c.*3847G>A (NM_001291969.2).
Identifiers: ClinVar variation 356988 (VCV000356988.7), dbSNP rs145612937, ClinGen allele CA10626995.